The following is an entry in ClinVar:

NM_005159.5(ACTC1):c.652C>G (p.Leu218Val)

Genes: ACTC1 (actin alpha cardiac muscle 1; minus strand), GJD2-DT (GJD2 divergent transcript; plus strand). Cytogenetic location: 15q14.
Variant type: single nucleotide variant.
Coding change: c.652C>G on transcript NM_005159.5 (MANE Select); coding-DNA position 652, C replaced by G.
Protein change: p.Leu218Val; replaces leucine 218 with valine.
Molecular consequence: missense variant.
Genome position (GRCh38, 1-based): chr15:34,792,246, G>C on the plus strand (C>G on the coding strand, the complement: ACTC1 is on the minus strand). VCF-style: chr15-34792246-G-C. GRCh37 (hg19) VCF-style: chr15-35084447-G-C.
Other names: c.652C>G, p.Leu218Val (NM_001406482.1, NM_001406483.1); c.517C>G, p.Leu173Val (NM_001406484.1); c.211C>G, p.Leu71Val (NM_001406485.1); short protein forms L173V, L218V, L71V.
Identifiers: ClinVar variation 4758880 (VCV004758880.1).
Genomic context (GRCh38, chr15:34,792,246, plus strand): 5'-GGGAGGAGGAAGAGGCAGCTGTGGCCATCTCATTCTCAAAATCCAGGGCGACATAGCACA[G>C]CTTCTCTTTAATGTCACGGACAATTTCACGTTCAGCTACAGAAATAAAGAGTATCACAGT-3'
Protein context (NP_005150.1, residues 208-228): REIVRDIKEK[Leu218Val]CYVALDFENE

ClinVar aggregate classification (germline): Uncertain significance (1 of 4 stars; one submission).

Conditions:
Cardiomyopathy (CMYO). Also called: Cardiomyopathies. Identifiers: Orphanet 167848, MedGen C0878544, MONDO:0004994, HP:0001638. Inheritance: Various modes of inheritance.

Submission:

Color Diagnostics, LLC DBA Color Health
Classification: Uncertain significance for Cardiomyopathy. Last evaluated: 2025-07-14. Review status: criteria provided, single submitter. Criteria: ACMG Guidelines, 2015. Collection method: clinical testing. Allele origin: germline.
Comment: This missense variant replaces leucine with valine at codon 218 of the ACTC1 protein. Computational prediction suggests that this variant may have deleterious impact on protein structure and function. To our knowledge, functional studies have not been reported for this variant. This variant has not been reported in individuals affected with ACTC1-related disorders in the literature. This variant has not been identified in the general population by the Genome Aggregation Database (gnomAD). The available evidence is insufficient to determine the role of this variant in disease conclusively. Therefore, this variant is classified as a Variant of Uncertain Significance.